The following is an entry in ClinVar:

NM_000088.4(COL1A1):c.858+4A>G

Genes: COL1A1 (collagen type I alpha 1 chain; minus strand), LOC126862586 (CDK7 strongly-dependent group 2 enhancer GRCh37_chr17:48273702-48274901; plus strand). Cytogenetic location: 17q21.33.
Variant type: single nucleotide variant.
Coding change: c.858+4A>G on transcript NM_000088.4 (MANE Select); 4 bases into the intron after coding-DNA position 858, A replaced by G.
Molecular consequence: intron variant.
Genome position (GRCh38, 1-based): chr17:50,196,613, T>C on the plus strand (A>G on the coding strand, the complement: COL1A1 is on the minus strand). VCF-style: chr17-50196613-T-C. GRCh37 (hg19) VCF-style: chr17-48273974-T-C.
Identifiers: ClinVar variation 2869165 (VCV002869165.4), dbSNP rs2144581752, ClinGen allele CA2576317471.

ClinVar aggregate classification (germline): Uncertain significance (1 of 4 stars; one submission).

Conditions:
Osteogenesis imperfecta type I (OI1). Also called: Lobstein's Disease; Classic Non-deforming Osteogenesis Imperfecta with Blue Sclerae; Lobstein disease; OI, TYPE I; OSTEOGENESIS IMPERFECTA TARDA; OSTEOGENESIS IMPERFECTA WITH BLUE SCLERAE. Identifiers: Orphanet 216796, Orphanet 666, MedGen C0023931, MONDO:0008146, OMIM 166200. Disease mechanism: loss of function.

Submissions (2):

Labcorp Genetics (formerly Invitae), Labcorp
Classification: Uncertain significance for Osteogenesis imperfecta type I. Last evaluated: 2023-10-11. Review status: criteria provided, single submitter. Criteria: Invitae Variant Classification Sherloc (09022015). Collection method: clinical testing. Allele origin: germline.
Comment: This sequence change falls in intron 12 of the COL1A1 gene. It does not directly change the encoded amino acid sequence of the COL1A1 protein. It affects a nucleotide within the consensus splice site. This variant is not present in population databases (gnomAD no frequency). This variant has not been reported in the literature in individuals affected with COL1A1-related conditions. Variants that disrupt the consensus splice site are a relatively common cause of aberrant splicing (PMID: 17576681, 9536098). Algorithms developed to predict the effect of sequence changes on RNA splicing suggest that this variant is not likely to affect RNA splicing. In summary, the available evidence is currently insufficient to determine the role of this variant in disease. Therefore, it has been classified as a Variant of Uncertain Significance.

Dr. Peter K. Rogan Lab, Western University
No classification provided (evidence only). Condition: Familial cancer of breast. Review status: no classification provided. Collection method: in vitro. Allele origin: not applicable. Functional consequence: retained intron. Not counted in ClinVar's aggregate classification.

Literature cited by the submitters: PubMed 17576681 (cited by Labcorp Genetics (formerly Invitae), Labcorp); PubMed 9536098 (cited by Labcorp Genetics (formerly Invitae), Labcorp).